The following is an entry in ClinVar:

ClinVar aggregate classification (germline): Pathogenic. Review status: criteria provided, single submitter (1 of 4 stars). 2 submissions from 2 submitters: Pathogenic (1). 1 of the submissions does not count toward it. Last evaluated 2024-03-27.

Conditions:
Joubert syndrome 35. Identifiers: MedGen C4748442, MONDO:0032570, OMIM 618161.

Allele frequency attached by ClinVar (database versions not stated): gnomAD 0.00001; gnomAD exomes 0.00001 and 0.00003; TOPMed 0.00002; ExAC 0.00003.
gnomAD v4.1: 15 of 1,613,992 alleles (0.00093%); highest among the groups gnomAD compares: Admixed American, 0.0083%; no homozygotes.

Submissions (2):

Labcorp Genetics (formerly Invitae), Labcorp
Classification: Pathogenic. Last evaluated: 2024-03-27. Review status: criteria provided, single submitter. Criteria: Invitae Variant Classification Sherloc (09022015). Collection method: clinical testing. Allele origin: germline.
Comment: This sequence change replaces arginine, which is basic and polar, with cysteine, which is neutral and slightly polar, at codon 149 of the ARL3 protein (p.Arg149Cys). This variant is present in population databases (rs776901858, gnomAD 0.01%). This missense change has been observed in individual(s) with autosomal recessive Joubert syndrome (PMID: 30269812). It has also been observed to segregate with disease in related individuals. ClinVar contains an entry for this variant (Variation ID: 587372). An algorithm developed to predict the effect of missense changes on protein structure and function (PolyPhen-2) suggests that this variant is likely to be disruptive. This variant disrupts the p.Arg149 amino acid residue in ARL3. Other variant(s) that disrupt this residue have been determined to be pathogenic (PMID: 30269812). This suggests that this residue is clinically significant, and that variants that disrupt this residue are likely to be disease-causing. For these reasons, this variant has been classified as Pathogenic.

OMIM
Classification: Pathogenic for JOUBERT SYNDROME 35. Last evaluated: 2018-10-30. Review status: no assertion criteria provided. Collection method: literature only. Allele origin: germline. Not counted in ClinVar's aggregate classification.

Literature cited by the submitters: PubMed 30269812 (cited by Labcorp Genetics (formerly Invitae), Labcorp and OMIM).

NM_004311.4(ARL3):c.445C>T (p.Arg149Cys)

Gene: ARL3 (ARF like GTPase 3; minus strand). Cytogenetic location: 10q24.32.
Variant type: single nucleotide variant.
Coding change: c.445C>T on transcript NM_004311.4 (MANE Select); coding-DNA position 445, C replaced by T.
Protein change: p.Arg149Cys; replaces arginine 149 with cysteine.
Molecular consequence: missense variant.
Genome position (GRCh38, 1-based): chr10:102,685,872, G>A on the plus strand (C>T on the coding strand, the complement: ARL3 is on the minus strand). VCF-style: chr10-102685872-G-A. GRCh37 (hg19) VCF-style: chr10-104445629-G-A.
Other names: short protein forms R149C.
Identifiers: ClinVar variation 587372 (VCV000587372.6), dbSNP rs776901858, ClinGen allele CA5668429.